The following is an entry in ClinVar:

ClinVar aggregate classification (germline): Pathogenic (1 of 4 stars; one submission).

Conditions:
Osteoporosis. Identifiers: MedGen C0029456, MONDO:0005298, OMIM 166710, HP:0000939.
Osteogenesis imperfecta, perinatal lethal (OI2). Also called: OI, TYPE II; OSTEOGENESIS IMPERFECTA CONGENITA; VROLIK TYPE OF OSTEOGENESIS IMPERFECTA; OSTEOGENESIS IMPERFECTA, TYPE II; Osteogenesis imperfecta, dominant perinatal lethal; Osteogenesis imperfecta type 2. Identifiers: Orphanet 216804, MedGen C0268358, MONDO:0008147, OMIM 166210.
Osteogenesis imperfecta type III (OI3). Also called: Progressively Deforming Osteogenesis Imperfecta; Osteogenesis imperfecta type 3; OI type 3; Osteogenesis imperfecta, progressively deforming with normal sclerae; OI type III. Identifiers: Orphanet 216812, Orphanet 666, MedGen C0268362, MONDO:0009804, OMIM 259420.
Infantile cortical hyperostosis. Also called: Caffey Disease; Hyperostosis, Cortical, Congenital; P1PK BLOOD GROUP SYSTEM, P(2) PHENOTYPE. Identifiers: Orphanet 1310, MedGen C0020497, MONDO:0007244, OMIM 114000.
Osteogenesis imperfecta type I (OI1). Also called: OI, TYPE I; OSTEOGENESIS IMPERFECTA TARDA; OSTEOGENESIS IMPERFECTA WITH BLUE SCLERAE; Lobstein's Disease; Osteogenesis imperfecta type 1; Classic Non-deforming Osteogenesis Imperfecta with Blue Sclerae. Identifiers: Orphanet 216796, Orphanet 666, MedGen C0023931, MONDO:0008146, OMIM 166200. Disease mechanism: loss of function.
Combined osteogenesis imperfecta and Ehlers-Danlos syndrome 1. Also called: OIEDS SYNDROME 1. Identifiers: MedGen C5436842, MONDO:0030854, OMIM 619115.
Osteogenesis imperfecta with normal sclerae, dominant form (OI4). Also called: OSTEOGENESIS IMPERFECTA WITH NORMAL SCLERAE; Osteogenesis imperfecta type 4; Common Variable Osteogenesis Imperfecta with Normal Sclerae; OSTEOGENESIS IMPERFECTA, TYPE IV, WITH DENTINOGENESIS IMPERFECTA; Osteogenesis Imperfecta Type IV. Identifiers: Orphanet 216820, Orphanet 666, MedGen C0268363, MONDO:0008148, OMIM 166220.
Ehlers-Danlos syndrome, arthrochalasia type. Also called: Ehlers-Danlos syndrome, arthrochalasia type, 1; ARTHROCHALASIS MULTIPLEX CONGENITA; EDS VII, MUTANT PROCOLLAGEN TYPE; EDS VIIA; Ehlers-Danlos syndrome, arthrochalasis type. Identifiers: Orphanet 1899, Orphanet 99875, Orphanet 99876, MedGen C4551623, MONDO:0007525, OMIM 130060.

Submission:

Juno Genomics, Hangzhou Juno Genomics, Inc
Classification: Pathogenic for Osteoporosis; Infantile cortical hyperostosis; Combined osteogenesis imperfecta and Ehlers-Danlos syndrome 1; Ehlers-Danlos syndrome, arthrochalasia type; Osteogenesis imperfecta type I; Osteogenesis imperfecta, perinatal lethal; Osteogenesis imperfecta type III; Osteogenesis imperfecta with normal sclerae, dominant form. Review status: criteria provided, single submitter. Criteria: ACMG Guidelines, 2015. Collection method: clinical testing. Allele origin: germline. Affected: yes.
Comment: Absent from controls (or at extremely low frequency if recessive) in Genome Aggregation Database, Exome Sequencing Project, 1000 Genomes Project, or Exome Aggregation Consortium.;Null variant in a gene where loss of function (LOF) is a known mechanism of disease.;Patient's phenotype or family history is highly specific for a disease with a single genetic etiology.

NM_000088.4(COL1A1):c.2729del (p.Arg910fs)

Gene: COL1A1 (collagen type I alpha 1 chain; minus strand). Cytogenetic location: 17q21.33.
Variant type: Deletion.
Coding change: c.2729del on transcript NM_000088.4 (MANE Select); coding-DNA position 2729, one base deleted (G; older notation c.2729delG).
Protein change: p.Arg910fs; shifts the reading frame from arginine 910.
Molecular consequence: frameshift variant.
Genome position (GRCh38, 1-based): chr17:50,189,477, C deleted on the plus strand (G on the coding strand, the reverse complement: COL1A1 is on the minus strand). VCF-style (leftmost placement, unchanged base first): chr17-50189476-AC-A. GRCh37 (hg19) VCF-style: chr17-48266837-AC-A.
Other names: short protein forms R910fs.
Identifiers: ClinVar variation 4796574 (VCV004796574.1).